The following is an entry in ClinVar:

NM_000368.5(TSC1):c.1187C>T (p.Pro396Leu)

Gene: TSC1 (TSC complex subunit 1; minus strand). Cytogenetic location: 9q34.13.
Variant type: single nucleotide variant.
Coding change: c.1187C>T on transcript NM_000368.5 (MANE Select); coding-DNA position 1187, C replaced by T.
Protein change: p.Pro396Leu; replaces proline 396 with leucine.
Molecular consequence: missense variant. On other transcripts: non-coding transcript variant (5).
Genome position (GRCh38, 1-based): chr9:132,910,647, G>A on the plus strand (C>T on the coding strand, the complement: TSC1 is on the minus strand). VCF-style: chr9-132910647-G-A. GRCh37 (hg19) VCF-style: chr9-135786034-G-A.
Other names: c.1184C>T, p.Pro395Leu (NM_001162426.2, NM_001406597.1, NM_001406598.1 and 6 more transcripts); c.1034C>T, p.Pro345Leu (NM_001162427.2, NM_001406610.1); c.824C>T, p.Pro275Leu (NM_001362177.2, NM_001406614.1, NM_001406615.1 and 5 more transcripts); c.1187C>T, p.Pro396Leu (NM_001406592.1, NM_001406593.1, NM_001406594.1 and 7 more transcripts); c.1031C>T, p.Pro344Leu (NM_001406611.1, NM_001406612.1, NM_001406613.1); c.134C>T, p.Pro45Leu (NM_001406630.1, NM_001406629.1); c.821C>T, p.Pro274Leu (NM_001406620.1, NM_001406621.1, NM_001406622.1 and 2 more transcripts); c.236C>T, p.Pro79Leu (NM_001406626.1); and 1 more; short protein forms P274L, P275L, P344L, P345L, P395L, P396L, P45L, P78L.
Identifiers: ClinVar variation 3386147 (VCV003386147.4).

ClinVar aggregate classification (germline): Uncertain significance. Review status: criteria provided, multiple submitters, no conflicts (2 of 4 stars). 3 submissions from 3 submitters: Uncertain significance (3). Last evaluated 2025-07-17.

Conditions:
Tuberous sclerosis syndrome (TSC). Also called: Tuberous Sclerosis Complex; Tuberous sclerosis. Identifiers: Orphanet 805, MedGen C0041341, MONDO:0001734.
Tuberous sclerosis 1 (TSC1). Identifiers: Orphanet 805, MedGen C1854465, MONDO:0008612, OMIM 191100.

Submissions (3):

Color Diagnostics, LLC DBA Color Health
Classification: Uncertain significance for Tuberous sclerosis syndrome. Last evaluated: 2025-07-17. Review status: criteria provided, single submitter. Criteria: ACMG Guidelines, 2015. Collection method: clinical testing. Allele origin: germline.
Comment: This missense variant replaces proline with leucine at codon 396 of the TSC1 protein. Computational prediction suggests that this variant may have deleterious impact on protein structure and function. To our knowledge, functional studies have not been reported for this variant. This variant has not been reported in individuals affected with TSC1-related disorders in the literature. This variant has not been identified in the general population by the Genome Aggregation Database (gnomAD). The available evidence is insufficient to determine the role of this variant in disease conclusively. Therefore, this variant is classified as a Variant of Uncertain Significance.

Labcorp Genetics (formerly Invitae), Labcorp
Classification: Uncertain significance for Tuberous sclerosis 1. Last evaluated: 2024-07-01. Review status: criteria provided, single submitter. Criteria: Invitae Variant Classification Sherloc (09022015). Collection method: clinical testing. Allele origin: germline.
Comment: This sequence change replaces proline, which is neutral and non-polar, with leucine, which is neutral and non-polar, at codon 396 of the TSC1 protein (p.Pro396Leu). This variant is not present in population databases (gnomAD no frequency). This variant has not been reported in the literature in individuals affected with TSC1-related conditions. Advanced modeling of protein sequence and biophysical properties (such as structural, functional, and spatial information, amino acid conservation, physicochemical variation, residue mobility, and thermodynamic stability) performed at Invitae indicates that this missense variant is not expected to disrupt TSC1 protein function with a negative predictive value of 95%. In summary, the available evidence is currently insufficient to determine the role of this variant in disease. Therefore, it has been classified as a Variant of Uncertain Significance.

All of Us Research Program, National Institutes of Health
Classification: Uncertain significance for Tuberous sclerosis syndrome. Last evaluated: 2024-06-07. Review status: criteria provided, single submitter. Criteria: ACMG Guidelines, 2015. Collection method: clinical testing. Allele origin: germline. Inheritance: Autosomal dominant inheritance. Observed: 1 variant allele, 1 heterozygote.
Comment: This study involves interpretation of variants in research participants for the purpose of population health screening. Participant phenotype was not available at the time of variant classification. Additional details can be found in publication PMID: 35346344, PMCID: PMC8962531